The following is an entry in ClinVar:

NM_002519.3(NPAT):c.2349T>G (p.Asn783Lys)

Gene: NPAT (nuclear protein, coactivator of histone transcription; minus strand). Cytogenetic location: 11q22.3.
Variant type: single nucleotide variant.
Coding change: c.2349T>G on transcript NM_002519.3 (MANE Select); coding-DNA position 2349, T replaced by G.
Protein change: p.Asn783Lys; replaces asparagine 783 with lysine.
Molecular consequence: missense variant.
Genome position (GRCh38, 1-based): chr11:108,172,635, A>C on the plus strand (T>G on the coding strand, the complement: NPAT is on the minus strand). VCF-style: chr11-108172635-A-C. GRCh37 (hg19) VCF-style: chr11-108043362-A-C.
Other names: c.2349T>G, p.Asn783Lys (NM_001321307.1); short protein forms N783K.
Identifiers: ClinVar variation 1789962 (VCV001789962.3), dbSNP rs770453406, ClinGen allele CA6263833.

ClinVar aggregate classification (germline): Uncertain significance (1 of 4 stars; one submission).

Allele frequency attached by ClinVar (database versions not stated): gnomAD exomes 0.00001; TOPMed 0.00001; ExAC 0.00002; gnomAD 0.00002.
gnomAD v4.1: 24 of 1,614,060 alleles (0.0015%); highest among the groups gnomAD compares: Non-Finnish European, 0.0019%; no homozygotes.

Submission:

Ambry Genetics
Classification: Uncertain significance. Last evaluated: 2023-07-09. Review status: criteria provided, single submitter. Criteria: Ambry Variant Classification Scheme 2023. Collection method: clinical testing. Allele origin: germline.
Comment: The p.N783K variant (also known as c.2349T>G), located in coding exon 13 of the NPAT gene, results from a T to G substitution at nucleotide position 2349. The asparagine at codon 783 is replaced by lysine, an amino acid with similar properties. This amino acid position is conserved. In addition, this alteration is predicted to be tolerated by in silico analysis. Since supporting evidence is limited at this time, the clinical significance of this alteration remains unclear.